The following is an entry in ClinVar:

ClinVar aggregate classification (germline): Uncertain significance (1 of 4 stars; one submission).

Allele frequency attached by ClinVar (database versions not stated): ExAC 0.00001; gnomAD 0.00001; TOPMed 0.00001; ESP Exome Variant Server 0.00008.
gnomAD v4.1: 3 of 1,613,482 alleles (0.00019%); highest among the groups gnomAD compares: Non-Finnish European, 0.00025%; no homozygotes.

Submission:

Labcorp Genetics (formerly Invitae), Labcorp
Classification: Uncertain significance. Last evaluated: 2022-06-01. Review status: criteria provided, single submitter. Criteria: Invitae Variant Classification Sherloc (09022015). Collection method: clinical testing. Allele origin: germline.
Comment: This sequence change replaces aspartic acid, which is acidic and polar, with tyrosine, which is neutral and polar, at codon 781 of the TTC37 protein (p.Asp781Tyr). The frequency data for this variant in the population databases is considered unreliable, as metrics indicate poor data quality at this position in the gnomAD database. This variant has not been reported in the literature in individuals affected with TTC37-related conditions. Algorithms developed to predict the effect of missense changes on protein structure and function are either unavailable or do not agree on the potential impact of this missense change (SIFT: "Deleterious"; PolyPhen-2: "Probably Damaging"; Align-GVGD: "Class C0"). In summary, the available evidence is currently insufficient to determine the role of this variant in disease. Therefore, it has been classified as a Variant of Uncertain Significance.

NM_014639.4(SKIC3):c.2341G>T (p.Asp781Tyr)

Gene: SKIC3 (SKI3 subunit of superkiller complex; minus strand). Cytogenetic location: 5q15.
Variant type: single nucleotide variant.
Coding change: c.2341G>T on transcript NM_014639.4 (MANE Select); coding-DNA position 2341, G replaced by T.
Protein change: p.Asp781Tyr; replaces aspartic acid 781 with tyrosine.
Molecular consequence: missense variant.
Genome position (GRCh38, 1-based): chr5:95,517,011, C>A on the plus strand (G>T on the coding strand, the complement: SKIC3 is on the minus strand). VCF-style: chr5-95517011-C-A. GRCh37 (hg19) VCF-style: chr5-94852715-C-A.
Other names: short protein forms D781Y.
Identifiers: ClinVar variation 2090658 (VCV002090658.1), dbSNP rs146111130, ClinGen allele CA3347106.